The following is an entry in ClinVar:

NM_006734.4(HIVEP2):c.3469C>T (p.Gln1157Ter)

Gene: HIVEP2 (HIVEP zinc finger 2; minus strand). Cytogenetic location: 6q24.2.
Variant type: single nucleotide variant.
Coding change: c.3469C>T on transcript NM_006734.4 (MANE Select); coding-DNA position 3469, C replaced by T.
Protein change: p.Gln1157Ter; replaces glutamine 1157 with a stop codon.
Molecular consequence: nonsense.
Genome position (GRCh38, 1-based): chr6:142,771,270, G>A on the plus strand (C>T on the coding strand, the complement: HIVEP2 is on the minus strand). VCF-style: chr6-142771270-G-A. GRCh37 (hg19) VCF-style: chr6-143092407-G-A.
Other names: short protein forms Q1157*.
Identifiers: ClinVar variation 3106051 (VCV003106051.1), dbSNP rs2482830872, ClinGen allele CA365903979.

ClinVar aggregate classification (germline): Pathogenic (1 of 4 stars; one submission).

Conditions:
Inborn genetic diseases. Identifiers: MedGen C0950123, MeSH D030342.

Submission:

Ambry Genetics
Classification: Pathogenic for Inborn genetic diseases. Last evaluated: 2024-01-31. Review status: criteria provided, single submitter. Criteria: Ambry Variant Classification Scheme 2023. Collection method: clinical testing. Allele origin: germline.
Comment: The c.3469C>T (p.Q1157*) alteration, located in exon 5 (coding exon 1) of the HIVEP2 gene, consists of a C to T substitution at nucleotide position 3469. This changes the amino acid from a glutamine (Q) to a stop codon at amino acid position 1157. This alteration is expected to result in loss of function by premature protein truncation or nonsense-mediated mRNA decay. This variant was not reported in population-based cohorts in the Genome Aggregation Database (gnomAD). Based on the available evidence, this alteration is classified as pathogenic.